The following is an entry in ClinVar:

ClinVar aggregate classification (germline): Uncertain significance (1 of 4 stars; one submission).

Conditions:
POLD1-related polyposis and colorectal cancer syndrome (CRCS10). Also called: Colorectal cancer 10; COLORECTAL CANCER, SUSCEPTIBILITY TO, ON CHROMOSOME 19q; Colorectal cancer, susceptibility to, 10. Identifiers: Orphanet 220460, MedGen C2675481, MONDO:0012953, OMIM 612591.

Submission:

Labcorp Genetics (formerly Invitae), Labcorp
Classification: Uncertain significance for POLD1-related polyposis and colorectal cancer syndrome. Last evaluated: 2019-07-09. Review status: criteria provided, single submitter. Criteria: Invitae Variant Classification Sherloc (09022015). Collection method: clinical testing. Allele origin: germline.
Comment: In summary, the available evidence is currently insufficient to determine the role of this variant in disease. Therefore, it has been classified as a Variant of Uncertain Significance. Algorithms developed to predict the effect of missense changes on protein structure and function are either unavailable or do not agree on the potential impact of this missense change (SIFT: "Deleterious"; PolyPhen-2: "Probably Damaging"; Align-GVGD: "Class C0"). This variant has not been reported in the literature in individuals with POLD1-related conditions. This variant is not present in population databases (ExAC no frequency). This sequence change replaces isoleucine with methionine at codon 252 of the POLD1 protein (p.Ile252Met). The isoleucine residue is moderately conserved and there is a small physicochemical difference between isoleucine and methionine.

NM_002691.4(POLD1):c.756C>G (p.Ile252Met)

Gene: POLD1 (DNA polymerase delta 1, catalytic subunit; plus strand). Cytogenetic location: 19q13.33.
Variant type: single nucleotide variant.
Coding change: c.756C>G on transcript NM_002691.4 (MANE Select); coding-DNA position 756, C replaced by G.
Protein change: p.Ile252Met; replaces isoleucine 252 with methionine.
Molecular consequence: missense variant. On other transcripts: non-coding transcript variant (1).
Genome position (GRCh38, 1-based): chr19:50,402,371, C>G. VCF-style: chr19-50402371-C-G. GRCh37 (hg19) VCF-style: chr19-50905628-C-G.
Other names: c.756C>G, p.Ile252Met (NM_001256849.1, NM_001308632.1); short protein forms I252M.
Identifiers: ClinVar variation 951093 (VCV000951093.9), dbSNP rs2038682080, ClinGen allele CA406974684.
Genomic context (GRCh38, chr19:50,402,371, plus strand): 5'-TGTGGCAGGCCTGGGCACGCCCAGCTTCGCGCCCTACGAGGCCAACGTCGACTTTGAGAT[C>G]CGGTACGGCCTCTGCCTCACTTCTCCGGCCTCTATCCCCACCCTCGGGCAGCCCCTGTCC-3'
Protein context (NP_002682.2, residues 242-262): APYEANVDFE[Ile252Met]RFMVDTDIVG